The following is an entry in ClinVar:

ClinVar aggregate classification (germline): Pathogenic/Likely pathogenic. Review status: criteria provided, multiple submitters, no conflicts (2 of 4 stars). 2 submissions from 2 submitters: Pathogenic (1); Likely pathogenic (1). Last evaluated 2025-07-22.

Conditions:
Cardiovascular phenotype. Identifiers: MedGen CN230736.

Submissions (2):

Ambry Genetics
Classification: Pathogenic for Cardiovascular phenotype. Last evaluated: 2025-07-22. Review status: criteria provided, single submitter. Criteria: Ambry Variant Classification Scheme 2023. Collection method: clinical testing. Allele origin: germline.
Comment: The c.20_23dupCAGC pathogenic mutation, located in coding exon 1 of the KCNE1 gene, results from a duplication of CAGC at nucleotide position 20, causing a translational frameshift with a predicted alternate stop codon (p.V9Sfs*32). This variant is considered to be rare based on population cohorts in the Genome Aggregation Database (gnomAD). This alteration is expected to result in loss of function by premature protein truncation or nonsense-mediated mRNA decay. As such, this alteration is interpreted as a disease-causing mutation.

Mayo Clinic Laboratories, Mayo Clinic
Classification: Likely pathogenic. Last evaluated: 2021-08-26. Review status: criteria provided, single submitter. Criteria: ACMG Guidelines, 2015. Collection method: clinical testing. Allele origin: germline.
Comment: PM2, PVS1

Literature cited by the submitters: PubMed 11832382 (cited by Mayo Clinic Laboratories, Mayo Clinic); PubMed 30461122 (cited by Mayo Clinic Laboratories, Mayo Clinic); PubMed 31941373 (cited by Mayo Clinic Laboratories, Mayo Clinic).

NM_000219.6(KCNE1):c.20_23dup (p.Val9fs)

Gene: KCNE1 (potassium voltage-gated channel subfamily E regulatory subunit 1; minus strand). Cytogenetic location: 21q22.12.
Variant type: Duplication.
Coding change: c.20_23dup on transcript NM_000219.6 (MANE Select); coding-DNA positions 20 to 23, 4 bases duplicated (CAGC; older notation c.20_23dupCAGC).
Protein change: p.Val9fs; shifts the reading frame from valine 9.
Molecular consequence: frameshift variant.
Genome position (GRCh38, 1-based): chr21:34,449,612-34,449,615, GCTG duplicated on the plus strand (CAGC on the coding strand, the reverse complement: KCNE1 is on the minus strand). VCF-style (leftmost placement, unchanged base first): chr21-34449611-C-CGCTG. GRCh37 (hg19) VCF-style: chr21-35821909-C-CGCTG.
Other names: p.Val9Serfs*32; c.20_23dup, p.Val9fs (NM_001127670.4, NM_001270402.3, NM_001270403.2 and 4 more transcripts); c.20_23dupCAGC (NM_000219.3); short protein forms V9fs.
Identifiers: ClinVar variation 1343372 (VCV001343372.5), dbSNP rs2123459914, ClinGen allele CA2573054924.
Genomic context (GRCh38, chr21:34,449,611, plus strand): 5'-CGACATGTTGCCACCCTGCTGAACTGTCTCCTGCCACAGCTTGGTCAGAAAGGGCGTCAC[C>CGCTG]GCTGTGGTGTTAGACAGGATCATCCTGGGCATTAAGGTTCCACTGCTGCAGCTCAAACTT-3'